The following is an entry in ClinVar:

NM_000550.3(TYRP1):c.550A>G (p.Ile184Val)

Gene: TYRP1 (tyrosinase related protein 1; plus strand). Cytogenetic location: 9p23.
Variant type: single nucleotide variant.
Coding change: c.550A>G on transcript NM_000550.3 (MANE Select); coding-DNA position 550, A replaced by G.
Protein change: p.Ile184Val; replaces isoleucine 184 with valine.
Molecular consequence: missense variant.
Genome position (GRCh38, 1-based): chr9:12,695,679, A>G. VCF-style: chr9-12695679-A-G. GRCh37 (hg19) VCF-style: chr9-12695679-A-G.
Other names: short protein forms I184V.
Identifiers: ClinVar variation 1512899 (VCV001512899.5), dbSNP rs759675607, ClinGen allele CA4985251.

ClinVar aggregate classification (germline): Uncertain significance (1 of 4 stars; one submission).

Allele frequency attached by ClinVar (database versions not stated): gnomAD exomes below 0.00001 and 0.00001; TOPMed below 0.00001; ExAC 0.00001.
gnomAD v4.1: 2 of 1,614,202 alleles (0.00012%); highest among the groups gnomAD compares: Admixed American, 0.0033%; no homozygotes.

Submission:

Labcorp Genetics (formerly Invitae), Labcorp
Classification: Uncertain significance. Last evaluated: 2021-08-31. Review status: criteria provided, single submitter. Criteria: Invitae Variant Classification Sherloc (09022015). Collection method: clinical testing. Allele origin: germline.
Comment: This sequence change replaces isoleucine with valine at codon 184 of the TYRP1 protein (p.Ile184Val). The isoleucine residue is moderately conserved and there is a small physicochemical difference between isoleucine and valine. This variant is present in population databases (rs759675607, ExAC 0.009%). This variant has not been reported in the literature in individuals affected with TYRP1-related conditions. Algorithms developed to predict the effect of missense changes on protein structure and function (SIFT, PolyPhen-2, Align-GVGD) all suggest that this variant is likely to be tolerated. In summary, the available evidence is currently insufficient to determine the role of this variant in disease. Therefore, it has been classified as a Variant of Uncertain Significance.